The following is an entry in ClinVar:

ClinVar aggregate classification (germline): Uncertain significance (1 of 4 stars; one submission).

Conditions:
Congenital myasthenic syndrome 10. Also called: Myasthenia, limb-girdle, familial. Identifiers: Orphanet 590, MedGen C1850792, MONDO:0009690, OMIM 254300.
Fetal akinesia deformation sequence 1 (FADS1). Also called: Fetal akinesia sequence; Pena-Shokeir syndrome type I. Identifiers: Orphanet 994, MedGen C1276035, MONDO:0100101, OMIM 208150, HP:0001989.

Submission:

Labcorp Genetics (formerly Invitae), Labcorp
Classification: Uncertain significance for Congenital myasthenic syndrome 10; Fetal akinesia deformation sequence 1. Last evaluated: 2020-06-01. Review status: criteria provided, single submitter. Criteria: Invitae Variant Classification Sherloc (09022015). Collection method: clinical testing. Allele origin: germline.
Comment: This variant is not present in population databases (ExAC no frequency). This variant, c.1368_1385del, is a complex sequence change that results in the deletion of 7 and insertion of 1 amino acid in the DOK7 protein (p.Met456_Ser462delinsIle). This variant has not been reported in the literature in individuals with DOK7-related conditions. Experimental studies and prediction algorithms are not available or were not evaluated, and the functional significance of this variant is currently unknown. In summary, the available evidence is currently insufficient to determine the role of this variant in disease. Therefore, it has been classified as a Variant of Uncertain Significance.

NM_173660.5(DOK7):c.1368_1385del (p.Met456_Ser462delinsIle)

Gene: DOK7 (docking protein 7; plus strand). Cytogenetic location: 4p16.3.
Variant type: Deletion.
Coding change: c.1368_1385del on transcript NM_173660.5 (MANE Select); coding-DNA positions 1368 to 1385, 18 bases deleted (GGAGGCCCCCCAGGGCAG).
Protein change: p.Met456_Ser462delinsIle.
Molecular consequence: inframe indel. On other transcripts: 3 prime UTR variant (1).
Genome position (GRCh38, 1-based): chr4:3,493,354-3,493,371, GGAGGCCCCCCAGGGCAG deleted. VCF-style (leftmost placement, unchanged base first): chr4-3493353-TGGAGGCCCCCCAGGGCAG-T. GRCh37 (hg19) VCF-style: chr4-3495080-TGGAGGCCCCCCAGGGCAG-T.
Other names: c.*589_*606del (NM_001164673.2); c.438_455del, p.Met146_Ser152delinsIle (NM_001256896.2); c.1368_1385del, p.Met456_Ser462delinsIle (NM_001301071.2); c.936_953del, p.Met312_Ser318delinsIle (NM_001363811.2).
Identifiers: ClinVar variation 1035873 (VCV001035873.9), dbSNP rs1728665309, ClinGen allele CA1434254854.